The following is an entry in ClinVar:

ClinVar aggregate classification (germline): Uncertain significance (1 of 4 stars; one submission).

Submission:

Labcorp Genetics (formerly Invitae), Labcorp
Classification: Uncertain significance. Last evaluated: 2024-12-07. Review status: criteria provided, single submitter. Criteria: Invitae Variant Classification Sherloc (09022015). Collection method: clinical testing. Allele origin: germline.
Comment: This sequence change creates a premature translational stop signal (p.Ser38*) in the ADGRE2 gene. It is expected to result in an absent or disrupted protein product. However, the current clinical and genetic evidence is not sufficient to establish whether loss-of-function variants in ADGRE2 cause disease. This variant is not present in population databases (gnomAD no frequency). This variant has not been reported in the literature in individuals affected with ADGRE2-related conditions. Algorithms developed to predict the effect of sequence changes on RNA splicing suggest that this variant may disrupt the consensus splice site. In summary, the available evidence is currently insufficient to determine the role of this variant in disease. Therefore, it has been classified as a Variant of Uncertain Significance.

NM_013447.4(ADGRE2):c.113C>A (p.Ser38Ter)

Gene: ADGRE2 (adhesion G protein-coupled receptor E2; minus strand). Cytogenetic location: 19p13.12.
Variant type: single nucleotide variant.
Coding change: c.113C>A on transcript NM_013447.4 (MANE Select); coding-DNA position 113, C replaced by A.
Protein change: p.Ser38Ter; replaces serine 38 with a stop codon.
Molecular consequence: nonsense.
Genome position (GRCh38, 1-based): chr19:14,774,024, G>T on the plus strand (C>A on the coding strand, the complement: ADGRE2 is on the minus strand). VCF-style: chr19-14774024-G-T. GRCh37 (hg19) VCF-style: chr19-14884836-G-T.
Other names: c.113C>A, p.Ser38Ter (NM_001271052.1, NM_152916.2, NM_152917.2); short protein forms S38*.
Identifiers: ClinVar variation 3673455 (VCV003673455.2).